The following is an entry in ClinVar:

NM_024537.4(CARS2):c.641C>T (p.Pro214Leu)

Gene: CARS2 (cysteinyl-tRNA synthetase 2, mitochondrial; minus strand). Cytogenetic location: 13q34.
Variant type: single nucleotide variant.
Coding change: c.641C>T on transcript NM_024537.4 (MANE Select); coding-DNA position 641, C replaced by T.
Protein change: p.Pro214Leu; replaces proline 214 with leucine.
Molecular consequence: missense variant. On other transcripts: 5 prime UTR variant (1), non-coding transcript variant (2).
Genome position (GRCh38, 1-based): chr13:110,683,065, G>A on the plus strand (C>T on the coding strand, the complement: CARS2 is on the minus strand). VCF-style: chr13-110683065-G-A. GRCh37 (hg19) VCF-style: chr13-111335412-G-A.
Other names: c.-146C>T (NM_001352252.2); c.641C>T, p.Pro214Leu (NM_001352253.3); short protein forms P214L.
Identifiers: ClinVar variation 1376053 (VCV001376053.3), dbSNP rs543389950, ClinGen allele CA256312108.

ClinVar aggregate classification (germline): Uncertain significance (1 of 4 stars; one submission).

Conditions:
Combined oxidative phosphorylation defect type 27. Also called: Combined oxidative phosphorylation deficiency 27. Identifiers: Orphanet 477774, MedGen C5567608, MONDO:0014728, OMIM 616672.

Allele frequency attached by ClinVar (database versions not stated): gnomAD exomes below 0.00001; TOPMed below 0.00001; gnomAD 0.00001; 1000 Genomes Project 30x 0.00016; 1000 Genomes Project 0.00020.
gnomAD v4.1: 2 of 1,601,202 alleles (0.00012%); highest among the groups gnomAD compares: African/African-American, 0.0027%; no homozygotes.

Submission:

Labcorp Genetics (formerly Invitae), Labcorp
Classification: Uncertain significance for Combined oxidative phosphorylation defect type 27. Last evaluated: 2022-06-18. Review status: criteria provided, single submitter. Criteria: Invitae Variant Classification Sherloc (09022015). Collection method: clinical testing. Allele origin: germline.
Comment: This sequence change replaces proline, which is neutral and non-polar, with leucine, which is neutral and non-polar, at codon 214 of the CARS2 protein (p.Pro214Leu). This variant is not present in population databases (gnomAD no frequency). This variant has not been reported in the literature in individuals affected with CARS2-related conditions. Algorithms developed to predict the effect of missense changes on protein structure and function (SIFT, PolyPhen-2, Align-GVGD) all suggest that this variant is likely to be tolerated. In summary, the available evidence is currently insufficient to determine the role of this variant in disease. Therefore, it has been classified as a Variant of Uncertain Significance.